The following is an entry in ClinVar:

ClinVar aggregate classification (germline): Uncertain significance (1 of 4 stars; one submission).

Conditions:
Hermansky-Pudlak syndrome 2 (HPS2). Also called: Platelet defects and oculocutaneous albinism. Identifiers: Orphanet 183678, Orphanet 79430, MedGen C1842362, MONDO:0011997, OMIM 608233.

Allele frequency attached by ClinVar (database versions not stated): gnomAD exomes below 0.00001; TOPMed 0.00002.
gnomAD v4.1: 2 of 1,613,970 alleles (0.00012%); highest among the groups gnomAD compares: Admixed American, 0.0033%; no homozygotes.

Submission:

Labcorp Genetics (formerly Invitae), Labcorp
Classification: Uncertain significance for Hermansky-Pudlak syndrome 2. Last evaluated: 2021-08-26. Review status: criteria provided, single submitter. Criteria: Invitae Variant Classification Sherloc (09022015). Collection method: clinical testing. Allele origin: germline.
Comment: This sequence change replaces asparagine with threonine at codon 434 of the AP3B1 protein (p.Asn434Thr). The asparagine residue is moderately conserved and there is a small physicochemical difference between asparagine and threonine. This variant is not present in population databases (ExAC no frequency). This variant has not been reported in the literature in individuals affected with AP3B1-related conditions. Algorithms developed to predict the effect of missense changes on protein structure and function (SIFT, PolyPhen-2, Align-GVGD) all suggest that this variant is likely to be tolerated. In summary, the available evidence is currently insufficient to determine the role of this variant in disease. Therefore, it has been classified as a Variant of Uncertain Significance.

NM_003664.5(AP3B1):c.1301A>C (p.Asn434Thr)

Gene: AP3B1 (adaptor related protein complex 3 subunit beta 1; minus strand). Cytogenetic location: 5q14.1.
Variant type: single nucleotide variant.
Coding change: c.1301A>C on transcript NM_003664.5 (MANE Select); coding-DNA position 1301, A replaced by C.
Protein change: p.Asn434Thr; replaces asparagine 434 with threonine.
Molecular consequence: missense variant.
Genome position (GRCh38, 1-based): chr5:78,162,881, T>G on the plus strand (A>C on the coding strand, the complement: AP3B1 is on the minus strand). VCF-style: chr5-78162881-T-G. GRCh37 (hg19) VCF-style: chr5-77458705-T-G.
Other names: c.1154A>C, p.Asn385Thr (NM_001271769.2); short protein forms N385T, N434T.
Identifiers: ClinVar variation 841723 (VCV000841723.7), dbSNP rs1289085829, ClinGen allele CA360190021.